The following is an entry in ClinVar:

NM_001145809.2(MYH14):c.4571G>A (p.Arg1524Gln)

Gene: MYH14 (myosin heavy chain 14; plus strand). Cytogenetic location: 19q13.33.
Variant type: single nucleotide variant.
Coding change: c.4571G>A on transcript NM_001145809.2 (MANE Select); coding-DNA position 4571, G replaced by A.
Protein change: p.Arg1524Gln; replaces arginine 1524 with glutamine.
Molecular consequence: missense variant.
Genome position (GRCh38, 1-based): chr19:50,286,513, G>A. VCF-style: chr19-50286513-G-A. GRCh37 (hg19) VCF-style: chr19-50789770-G-A.
Other names: c.4472G>A, p.Arg1491Gln (NM_001077186.2); c.4448G>A, p.Arg1483Gln (NM_024729.4); short protein forms R1483Q, R1491Q, R1524Q.
Identifiers: ClinVar variation 2403921 (VCV002403921.4), dbSNP rs755850782, ClinGen allele CA9593549.

ClinVar aggregate classification (germline): Uncertain significance. Review status: criteria provided, multiple submitters, no conflicts (2 of 4 stars). 2 submissions from 2 submitters: Uncertain significance (2). Last evaluated 2024-06-09.

Conditions:
Inborn genetic diseases. Identifiers: MedGen C0950123, MeSH D030342.

Allele frequency attached by ClinVar (database versions not stated): gnomAD 0.00001; TOPMed 0.00001; ExAC 0.00002; gnomAD exomes 0.00002.
gnomAD v4.1: 26 of 1,613,364 alleles (0.0016%); highest among the groups gnomAD compares: Middle Eastern, 0.016%; no homozygotes.

Submissions (2):

Labcorp Genetics (formerly Invitae), Labcorp
Classification: Uncertain significance. Last evaluated: 2024-06-09. Review status: criteria provided, single submitter. Criteria: Invitae Variant Classification Sherloc (09022015). Collection method: clinical testing. Allele origin: germline.
Comment: This sequence change replaces arginine, which is basic and polar, with glutamine, which is neutral and polar, at codon 1483 of the MYH14 protein (p.Arg1483Gln). This variant is present in population databases (rs755850782, gnomAD 0.01%). This variant has not been reported in the literature in individuals affected with MYH14-related conditions. ClinVar contains an entry for this variant (Variation ID: 2403921). Advanced modeling of protein sequence and biophysical properties (such as structural, functional, and spatial information, amino acid conservation, physicochemical variation, residue mobility, and thermodynamic stability) performed at Invitae indicates that this missense variant is not expected to disrupt MYH14 protein function with a negative predictive value of 80%. In summary, the available evidence is currently insufficient to determine the role of this variant in disease. Therefore, it has been classified as a Variant of Uncertain Significance.

Ambry Genetics
Classification: Uncertain significance for Inborn genetic diseases. Last evaluated: 2022-01-26. Review status: criteria provided, single submitter. Criteria: Ambry Variant Classification Scheme 2023. Collection method: clinical testing. Allele origin: germline.